The following is an entry in ClinVar:

NM_000256.3(MYBPC3):c.3764C>G (p.Ala1255Gly)

Gene: MYBPC3 (myosin binding protein C3; minus strand). Cytogenetic location: 11p11.2.
Variant type: single nucleotide variant.
Coding change: c.3764C>G on transcript NM_000256.3 (MANE Select); coding-DNA position 3764, C replaced by G.
Protein change: p.Ala1255Gly; replaces alanine 1255 with glycine.
Molecular consequence: missense variant.
Genome position (GRCh38, 1-based): chr11:47,332,122, G>C on the plus strand (C>G on the coding strand, the complement: MYBPC3 is on the minus strand). VCF-style: chr11-47332122-G-C. GRCh37 (hg19) VCF-style: chr11-47353673-G-C.
Other names: short protein forms A1255G.
Identifiers: ClinVar variation 1437758 (VCV001437758.11), dbSNP rs727504722, ClinGen allele CA221681757.

ClinVar aggregate classification (germline): Uncertain significance. Review status: criteria provided, multiple submitters, no conflicts (2 of 4 stars). 3 submissions from 3 submitters: Uncertain significance (3). Last evaluated 2025-11-12.

Conditions:
Brugada syndrome. Also called: Sudden unexpected nocturnal death syndrome; Sudden unexplained nocturnal death syndrome; Sudden Unexplained Death Syndrome; Sudden Unexplained Nocturnal Death Syndrome (SUNDS). Identifiers: Orphanet 130, MedGen C1142166, MONDO:0015263.
Cardiovascular phenotype. Identifiers: MedGen CN230736.
Hypertrophic cardiomyopathy. Also called: HYPERTROPHIC MYOCARDIOPATHY. Identifiers: Orphanet 217569, MedGen C0007194, MeSH D002312, MONDO:0005045, HP:0001639.

gnomAD v4.1: 1 of 1,613,620 alleles (0.000062%); no homozygotes.

Submissions (3):

Ambry Genetics
Classification: Uncertain significance for Cardiovascular phenotype. Last evaluated: 2025-11-12. Review status: criteria provided, single submitter. Criteria: Ambry Variant Classification Scheme 2023. Collection method: clinical testing. Allele origin: germline.
Comment: The p.A1255G variant (also known as c.3764C>G), located in coding exon 33 of the MYBPC3 gene, results from a C to G substitution at nucleotide position 3764. The alanine at codon 1255 is replaced by glycine, an amino acid with similar properties. Other variants affecting this codon (p.A1255T, c.3763G>A and p.A1255D, c.3764C>A) have been detected in hypertrophic cardiomyopathy cohorts; however, detail was limited and the pathogenicity of these variants has not been elucidated (Wang J et al. Eur. J. Heart Fail., 2014 Sep;16:950-7;Richard P et al. Circulation, 2003 May;107:2227-32). This amino acid position is highly conserved in available vertebrate species. In addition, this alteration is predicted to be deleterious by in silico analysis. Since supporting evidence is limited at this time, the clinical significance of this alteration remains unclear.

Labcorp Genetics (formerly Invitae), Labcorp
Classification: Uncertain significance for Hypertrophic cardiomyopathy. Last evaluated: 2024-11-15. Review status: criteria provided, single submitter. Criteria: Invitae Variant Classification Sherloc (09022015). Collection method: clinical testing. Allele origin: germline.
Comment: This sequence change replaces alanine, which is neutral and non-polar, with glycine, which is neutral and non-polar, at codon 1255 of the MYBPC3 protein (p.Ala1255Gly). This variant is not present in population databases (gnomAD no frequency). This missense change has been observed in individual(s) with hypertrophic cardiomyopathy (PMID: 28356264). ClinVar contains an entry for this variant (Variation ID: 1437758). An algorithm developed to predict the effect of missense changes on protein structure and function (PolyPhen-2) suggests that this variant is likely to be disruptive. In summary, the available evidence is currently insufficient to determine the role of this variant in disease. Therefore, it has been classified as a Variant of Uncertain Significance.

New York Genome Center
Classification: Uncertain significance for Brugada syndrome. Last evaluated: 2021-07-16. Review status: criteria provided, single submitter. Criteria: NYGC Assertion Criteria 2020. Collection method: clinical testing. Allele origin: germline. Affected: yes. Observed: 1 heterozygote. Study: CSER-NYCKidSeq.
Comment: The missense c.3764C>G, p.Ala1255Gly variant identified in the MYBPC3 gene has been reported in a patient with Hypertrophic Cardiomyopathy (PMID:28356264). This variant is absent in gnomAD v3.1.1, suggesting it is not a common benign variant in the populations represented in this database. In silico algorithms predict a deleterious effect. The variant resides at MYPC3_HUMAN Ig-like C2-type 7 domain. Ig-like domains are involved in various functions, includingcell-cell recognition, cell-surface receptors, muscle structure, and the immune system (PMID:10698639). Allelic variants (c.3764C>A, C>T) have conflicting classifications at ClinVar. Given the lack of compelling evidence for association of the MYBPC3 gene with Brugada syndrome, the c.3764C>G, p.Ala1255Gly variant identified in the MYBPC3 gene is reported as a variant of uncertain significance in a gene of uncertain significance for Brugada syndrome.

Literature cited by the submitters: PubMed 12707239 (cited by Ambry Genetics); PubMed 25132132 (cited by Ambry Genetics); PubMed 28356264 (cited by Labcorp Genetics (formerly Invitae), Labcorp).